The following is an entry in ClinVar:

ClinVar aggregate classification (germline): Likely pathogenic. Review status: criteria provided, multiple submitters, no conflicts (2 of 4 stars). 2 submissions from 2 submitters: Likely pathogenic (2). Last evaluated 2024-07-02.

Conditions:
Alagille syndrome due to a NOTCH2 point mutation. Also called: Alagille syndrome 2. Identifiers: Orphanet 261629, Orphanet 52, MedGen C1857761, MONDO:0012439, OMIM 610205.

Submissions (2):

MVZ Martinsried, Medicover Genetics
Classification: Likely pathogenic for Alagille syndrome due to a NOTCH2 point mutation. Last evaluated: 2024-07-02. Review status: criteria provided, single submitter. Criteria: ACGS Guidelines, 2020. Collection method: clinical testing. Allele origin: inherited. Affected: yes.

MVZ Medizinische Genetik Mainz
Classification: Likely pathogenic for Alagille syndrome due to a NOTCH2 point mutation. Last evaluated: 2024-04-17. Review status: criteria provided, single submitter. Criteria: UK Practice Guidelines For Variant Classification V4 01 2020. Collection method: clinical testing. Allele origin: germline. Inheritance: Autosomal dominant inheritance. Affected: yes. Observed: 1 variant allele.
Comment: ACMG Criteria: PVS1,PM2_SUP

NM_024408.4(NOTCH2):c.4756del (p.Glu1586fs)

Gene: NOTCH2 (notch receptor 2; minus strand). Cytogenetic location: 1p12.
Variant type: Deletion.
Coding change: c.4756del on transcript NM_024408.4 (MANE Select); coding-DNA position 4756, one base deleted (G; older notation c.4756delG).
Protein change: p.Glu1586fs; shifts the reading frame from glutamic acid 1586.
Molecular consequence: frameshift variant.
Genome position (GRCh38, 1-based): chr1:119,923,740, C deleted on the plus strand (G on the coding strand, the reverse complement: NOTCH2 is on the minus strand); the first of 5 consecutive C bases (chr1:119,923,740-119,923,744); deleting any one gives the same sequence. VCF-style (leftmost placement, unchanged base first): chr1-119923739-TC-T. GRCh37 (hg19) VCF-style: chr1-120466362-TC-T.
Other names: c.4756delG (NM_024408.4); short protein forms E1586fs.
Identifiers: ClinVar variation 3256880 (VCV003256880.2).